The following is an entry in ClinVar:

NM_017491.5(WDR1):c.732C>T (p.Pro244=)

Gene: WDR1 (WD repeat domain 1; minus strand). Cytogenetic location: 4p16.1.
Variant type: single nucleotide variant.
Coding change: c.732C>T on transcript NM_017491.5 (MANE Select); coding-DNA position 732, C replaced by T.
Protein change: p.Pro244=; no amino-acid change (proline 244 retained).
Molecular consequence: synonymous variant.
Genome position (GRCh38, 1-based): chr4:10,087,926, G>A on the plus strand (C>T on the coding strand, the complement: WDR1 is on the minus strand). VCF-style: chr4-10087926-G-A. GRCh37 (hg19) VCF-style: chr4-10089550-G-A.
Other names: c.312C>T, p.Pro104= (NM_005112.5); c.732C>T (NM_017491.3).
Identifiers: ClinVar variation 1109878 (VCV001109878.10), dbSNP rs202097102, ClinGen allele CA2857894.

ClinVar aggregate classification (germline): Likely benign. Review status: criteria provided, multiple submitters, no conflicts (2 of 4 stars). 3 submissions from 3 submitters: Likely benign (2). 1 of the submissions does not count toward it. Last evaluated 2026-01-12.

Conditions:
WDR1-related disorder. Also called: WDR1-related condition.

Allele frequency attached by ClinVar (database versions not stated): gnomAD 0.00019; 1000 Genomes Project 0.00020; ExAC 0.00024; gnomAD exomes 0.00024; 1000 Genomes Project 30x 0.00031.
gnomAD v4.1: 230 of 1,554,466 alleles (0.015%); highest among the groups gnomAD compares: East Asian, 0.058%; no homozygotes.

Submissions (3):

Labcorp Genetics (formerly Invitae), Labcorp
Classification: Likely benign. Last evaluated: 2026-01-12. Review status: criteria provided, single submitter. Criteria: Invitae Variant Classification Sherloc (09022015). Collection method: clinical testing. Allele origin: germline.

Blueprint Genetics
Classification: Likely benign. Last evaluated: 2024-06-27. Review status: criteria provided, single submitter. Criteria: ACMG Guidelines, 2015. Collection method: clinical testing. Allele origin: germline.

PreventionGenetics, part of Exact Sciences
Classification: Likely benign for WDR1-related condition. Last evaluated: 2019-10-02. Review status: no assertion criteria provided. Collection method: clinical testing. Allele origin: germline. Not counted in ClinVar's aggregate classification.
Comment: This variant is classified as likely benign based on ACMG/AMP sequence variant interpretation guidelines (Richards et al. 2015 PMID: 25741868, with internal and published modifications).